The following is an entry in ClinVar:

NM_001349338.3(FOXP1):c.1573C>T (p.Arg525Ter)

Gene: FOXP1 (forkhead box P1; minus strand). Cytogenetic location: 3p13.
Variant type: single nucleotide variant.
Coding change: c.1573C>T on transcript NM_001349338.3 (MANE Select); coding-DNA position 1573, C replaced by T.
Protein change: p.Arg525Ter; replaces arginine 525 with a stop codon.
Molecular consequence: nonsense. On other transcripts: non-coding transcript variant (2), intron variant (1).
Genome position (GRCh38, 1-based): chr3:70,972,634, G>A on the plus strand (C>T on the coding strand, the complement: FOXP1 is on the minus strand). VCF-style: chr3-70972634-G-A. GRCh37 (hg19) VCF-style: chr3-71021785-G-A.
Other names: c.1570C>T, p.Arg524Ter (NM_001244808.3, NM_001349341.3); c.1345C>T, p.Arg449Ter (NM_001244812.3); c.1273C>T, p.Arg425Ter (NM_001244813.3, NM_001244815.2, NM_001349342.3); c.1573C>T, p.Arg525Ter (NM_001244814.3, NM_001244816.2, NM_001349340.3 and 1 more transcripts); c.1270C>T, p.Arg424Ter (NM_001349337.2, NM_001349343.3, NM_001349344.3 and 1 more transcripts); c.1531-454C>T (NM_001244810.2); short protein forms R525*, R424*, R425*, R524*, R449*.
Identifiers: ClinVar variation 18428 (VCV000018428.19), dbSNP rs112795301, ClinGen allele CA281553.

ClinVar aggregate classification (germline): Pathogenic. Review status: criteria provided, multiple submitters, no conflicts (2 of 4 stars). 9 submissions from 9 submitters: Pathogenic (8). 1 of the submissions does not count toward it. Last evaluated 2026-01-26.

Conditions:
INTELLECTUAL DEVELOPMENTAL DISORDER WITH LANGUAGE IMPAIRMENT AND AUTISTIC FEATURES.
Intellectual disability-severe speech delay-mild dysmorphism syndrome (IDDLA). Also called: Intellectual developmental disorder with language impairment AND with or without autistic features; Mental retardation with language impairment and autistic features; FOXP1 Syndrome. Identifiers: Orphanet 391372, MedGen C4013764, MONDO:0013352, OMIM 613670.

Submissions (9):

Medical and Scientific Branch, Hong Kong Genome Institute
Classification: Pathogenic for Intellectual disability-severe speech delay-mild dysmorphism syndrome. Last evaluated: 2026-01-26. Review status: criteria provided, single submitter. Criteria: ACMG Guidelines, 2015. Collection method: clinical testing. Allele origin: de novo. Affected: yes.

Institute of Human Genetics, Heidelberg University
Classification: Pathogenic for Intellectual disability-severe speech delay-mild dysmorphism syndrome. Last evaluated: 2024-07-19. Review status: criteria provided, single submitter. Criteria: ACMG Guidelines, 2015. Collection method: clinical testing. Allele origin: de novo. Affected: yes.

Revvity Omics, Revvity
Classification: Pathogenic for Intellectual disability-severe speech delay-mild dysmorphism syndrome. Last evaluated: 2022-04-07. Review status: criteria provided, single submitter. Criteria: ACMG Guidelines, 2015. Collection method: clinical testing. Allele origin: germline.

GeneDx
Classification: Pathogenic. Last evaluated: 2022-03-02. Review status: criteria provided, single submitter. Criteria: GeneDx Variant Classification Process June 2021. Collection method: clinical testing. Allele origin: germline. Affected: yes.
Comment: Nonsense variant predicted to result in protein truncation or nonsense-mediated decay in a gene for which loss-of-function is a known mechanism of disease; Not observed in large population cohorts (gnomAD); This variant is associated with the following publications: (PMID: 31785789, 33218123, 25525159, 26647308, 28735298, 30385778, 20950788, 28135719, 30181650)

Victorian Clinical Genetics Services, Murdoch Childrens Research Institute
Classification: Pathogenic for Intellectual disability-severe speech delay-mild dysmorphism syndrome. Last evaluated: 2022-02-02. Review status: criteria provided, single submitter. Criteria: ACMG Guidelines, 2015. Collection method: clinical testing. Allele origin: germline. Inheritance: Autosomal dominant inheritance. Affected: yes.
Comment: Based on the classification scheme VCGS_Germline_v1.3.4, this variant is classified as Pathogenic. Following criteria are met: 0102 - Loss of function is a known mechanism of disease in this gene and is associated with FOXP1-related intellectual disability syndrome (MIM#613670). Dominant negative is also a suggested mechanism of disease. (I) 0107 - This gene is associated with autosomal dominant disease. (I) 0201 - Variant is predicted to cause nonsense-mediated decay (NMD) and loss of protein (premature termination codon is located at least 54 nucleotides upstream of the final exon-exon junction). (SP) 0251 - This variant is heterozygous. (I) 0301 - Variant is absent from gnomAD (both v2 and v3). (SP) 0701 - Other NMD-predicted variants comparable to the one identified in this case have very strong previous evidence for pathogenicity. These variants have been well reported as pathogenic, and observed in individuals with FOXP1-related intellectual disability syndrome (DECIPHER). (SP) 0801 - This variant has strong previous evidence of pathogenicity in unrelated individuals. This variant has been reported multiple times as pathogenic, and observed in many individuals with FOXP1-related intellectual disability syndrome, where the variant was proven to be de novo (ClinVar, DECIPHER, PMID: 28735298). (SP) Legend: (SP) - Supporting pathogenic, (I) - Information, (SB) - Supporting benign

Institute of Medical Genetics and Applied Genomics, University Hospital Tübingen
Classification: Pathogenic. Last evaluated: 2020-10-23. Review status: criteria provided, single submitter. Criteria: ACMG Guidelines, 2015. Collection method: clinical testing. Allele origin: germline. Inheritance: Autosomal dominant inheritance. Affected: yes.

Genetic Diagnostic Laboratory, University of Szeged
Classification: Pathogenic for Intellectual disability-severe speech delay-mild dysmorphism syndrome. Last evaluated: 2017-07-09. Review status: criteria provided, single submitter. Criteria: Genetic Diagnostic Assertion Criteria ver.1 Jan.2016. Collection method: clinical testing. Allele origin: de novo. Affected: yes. Observed: 1 variant allele. Segregation with disease observed.

Centre for Mendelian Genomics, University Medical Centre Ljubljana
Classification: Pathogenic for Intellectual disability-severe speech delay-mild dysmorphism syndrome. Last evaluated: 2016-01-01. Review status: criteria provided, single submitter. Criteria: ACMG Guidelines, 2015. Collection method: clinical testing. Allele origin: unknown. Affected: yes.
Comment: This variant was classified as: Pathogenic. The following ACMG criteria were applied in classifying this variant: PVS1,PS3,PM4,PM2,PP3. This variant arose de novo in at least one reported proband.

OMIM
Classification: Pathogenic for INTELLECTUAL DEVELOPMENTAL DISORDER WITH LANGUAGE IMPAIRMENT AND AUTISTIC FEATURES. Last evaluated: 2010-11-12. Review status: no assertion criteria provided. Collection method: literature only. Allele origin: germline. Not counted in ClinVar's aggregate classification.

Literature cited by the submitters: PubMed 28735298 (cited by Victorian Clinical Genetics Services, Murdoch Childrens Research Institute); PubMed 20950788 (cited by OMIM); PubMed 26647308 (cited by OMIM).